The following is an entry in ClinVar:

ClinVar aggregate classification (germline): Pathogenic. Review status: criteria provided, multiple submitters, no conflicts (2 of 4 stars). 6 submissions from 6 submitters: Pathogenic (6). Last evaluated 2026-02-11.

Conditions:
Neurofibromatosis, type 1 (NF1). Also called: VON RECKLINGHAUSEN DISEASE; NEUROFIBROMATOSIS, TYPE I, SOMATIC; Neurofibromatosis, type I; Peripheral type neurofibromatosis. Identifiers: Orphanet 636, MedGen C0027831, MONDO:0018975, OMIM 162200. Disease mechanism: loss of function.
Hereditary cancer-predisposing syndrome. Also called: Hereditary Cancer Syndrome; Hereditary neoplastic syndrome; Tumor predisposition; Neoplastic Syndromes, Hereditary. Identifiers: Orphanet 140162, MedGen C0027672, MeSH D009386, MONDO:0015356.

Submissions (6):

St. Jude Molecular Pathology, St. Jude Children's Research Hospital
Classification: Pathogenic for Neurofibromatosis, type 1. Last evaluated: 2026-02-11. Review status: criteria provided, single submitter. Criteria: St. Jude Assertion Criteria 2020. Collection method: clinical testing. Allele origin: germline.
Comment: The NF1 c.3097C>T p.(Gln1033Ter) change is a nonsense variant that is predicted to cause premature protein truncation or absence of the protein due to nonsense mediated decay. This variant has been observed in individuals with Neurofibromatosis type 1 (PMID: LOVD database, internal data). This variant is absent in gnomAD v2.1.1. Loss-of-function variants in NF1 are known to be pathogenic (PMID: 9003501, 10712197). In summary, this variant meets criteria to be classified as pathogenic.

GeneDx
Classification: Pathogenic. Last evaluated: 2025-02-05. Review status: criteria provided, single submitter. Criteria: GeneDx Variant Classification Process June 2021. Collection method: clinical testing. Allele origin: germline. Affected: yes.
Comment: Nonsense variant predicted to result in protein truncation or nonsense mediated decay in a gene for which loss of function is a known mechanism of disease; Not observed at significant frequency in large population cohorts (gnomAD); This variant is associated with the following publications: (PMID: 26076063, 23656349)

Labcorp Genetics (formerly Invitae), Labcorp
Classification: Pathogenic for Neurofibromatosis, type 1. Last evaluated: 2023-10-15. Review status: criteria provided, single submitter. Criteria: Invitae Variant Classification Sherloc (09022015). Collection method: clinical testing. Allele origin: germline.
Comment: This sequence change creates a premature translational stop signal (p.Gln1033*) in the NF1 gene. It is expected to result in an absent or disrupted protein product. Loss-of-function variants in NF1 are known to be pathogenic (PMID: 10712197, 23913538). This variant is not present in population databases (gnomAD no frequency). This premature translational stop signal has been observed in individual(s) with NF1-related conditions (PMID: 21520333). ClinVar contains an entry for this variant (Variation ID: 428983). For these reasons, this variant has been classified as Pathogenic.

Dasa
Classification: Pathogenic for Neurofibromatosis, type 1. Last evaluated: 2022-04-10. Review status: criteria provided, single submitter. Criteria: ACMG Guidelines, 2015. Collection method: clinical testing. Allele origin: germline. Affected: yes. Observed: 1 variant allele.
Comment: The c.3097C>T;p.Gln1033* variant creates a premature translational stop signal in the NF1 gene. It is expected to result in an absent or disrupted protein product -PVS1. This sequence change has been observed in affected individual(s) and ClinVar contains an entry for this variant (ClinVar ID: 428983; PMID: 26076063) - PS4_moderate. This variant is not present in population databases (rs1131691104- gnomAD; ABraOM no frequency) - PM2. In summary, the currently available evidence indicates that the variant is pathogenic

Genome-Nilou Lab
Classification: Pathogenic for Neurofibromatosis, type 1. Last evaluated: 2022-03-15. Review status: criteria provided, single submitter. Criteria: ACMG Guidelines, 2015. Collection method: clinical testing. Allele origin: germline. Affected: no.

Ambry Genetics
Classification: Pathogenic for Hereditary cancer-predisposing syndrome. Last evaluated: 2016-02-06. Review status: criteria provided, single submitter. Criteria: Ambry Autosomal Dominant and X-Linked criteria (10/2015). Collection method: clinical testing. Allele origin: germline. Observed: 1 variant allele.
Comment: The p.Q1033* pathogenic mutation (also known as c.3097C>T), located in coding exon 23 of the NF1 gene, results from a C to T substitution at nucleotide position 3097. This changes the amino acid from a glutamine to a stop codon within coding exon 23. Since premature stop codons are typically deleterious in nature, this alteration is interpreted as a disease-causing mutation (ACMG Recommendations for Standards for Interpretation and Reporting of Sequence Variations. Revision 2007. Genet Med. 2008;10:294).

Literature cited by the submitters: PubMed 10712197 (cited by Labcorp Genetics (formerly Invitae), Labcorp); PubMed 23913538 (cited by Labcorp Genetics (formerly Invitae), Labcorp); PubMed 21520333 (cited by Labcorp Genetics (formerly Invitae), Labcorp); PubMed 26076063 (cited by Dasa).

NM_001042492.3(NF1):c.3097C>T (p.Gln1033Ter)

Gene: NF1 (neurofibromin 1; plus strand). Cytogenetic location: 17q11.2.
Variant type: single nucleotide variant.
Coding change: c.3097C>T on transcript NM_001042492.3 (MANE Select); coding-DNA position 3097, C replaced by T.
Protein change: p.Gln1033Ter; replaces glutamine 1033 with a stop codon.
Molecular consequence: nonsense.
Genome position (GRCh38, 1-based): chr17:31,230,366, C>T. VCF-style: chr17-31230366-C-T. GRCh37 (hg19) VCF-style: chr17-29557384-C-T.
Other names: c.3097C>T, p.Gln1033Ter (NM_000267.4); short protein forms Q1033*.
Identifiers: ClinVar variation 428983 (VCV000428983.14), dbSNP rs1131691104, ClinGen allele CA398987638.